The following is an entry in ClinVar:

ClinVar aggregate classification (germline): Uncertain significance. Review status: criteria provided, multiple submitters, no conflicts (2 of 4 stars). 3 submissions from 3 submitters: Uncertain significance (3). Last evaluated 2024-05-27.

Conditions:
Hereditary spastic paraplegia 39 (SPG39). Also called: SPASTIC PARAPLEGIA 39, AUTOSOMAL RECESSIVE; Spastic Paraplegia Type 39 (SPG39). Identifiers: Orphanet 139480, MedGen C2677586, MONDO:0012787, OMIM 612020.

Allele frequency attached by ClinVar (database versions not stated): ESP Exome Variant Server 0.00008; gnomAD exomes 0.00008; ExAC 0.00013.
gnomAD v4.1: 128 of 1,600,218 alleles (0.008%); highest among the groups gnomAD compares: Non-Finnish European, 0.0094%; no homozygotes.

Submissions (3):

Blueprint Genetics
Classification: Uncertain significance. Last evaluated: 2024-05-27. Review status: criteria provided, single submitter. Criteria: ACMG Guidelines, 2015. Collection method: clinical testing. Allele origin: germline.

Labcorp Genetics (formerly Invitae), Labcorp
Classification: Uncertain significance for Hereditary spastic paraplegia 39. Last evaluated: 2022-07-22. Review status: criteria provided, single submitter. Criteria: Invitae Variant Classification Sherloc (09022015). Collection method: clinical testing. Allele origin: germline.
Comment: This sequence change replaces threonine, which is neutral and polar, with isoleucine, which is neutral and non-polar, at codon 311 of the PNPLA6 protein (p.Thr311Ile). This variant is present in population databases (rs370328961, gnomAD 0.02%). This missense change has been observed in individual(s) with Oliver-McFarlane syndrome (PMID: 25574898). Algorithms developed to predict the effect of missense changes on protein structure and function (SIFT, PolyPhen-2, Align-GVGD) all suggest that this variant is likely to be tolerated. In summary, the available evidence is currently insufficient to determine the role of this variant in disease. Therefore, it has been classified as a Variant of Uncertain Significance.

Athena Diagnostics
Classification: Uncertain significance. Last evaluated: 2022-01-13. Review status: criteria provided, single submitter. Criteria: Athena Diagnostics Criteria. Collection method: clinical testing. Allele origin: unknown.

Literature cited by the submitters: PubMed 25574898 (cited by Labcorp Genetics (formerly Invitae), Labcorp and Athena Diagnostics).

NM_001166114.2(PNPLA6):c.1049C>T (p.Thr350Ile)

Gene: PNPLA6 (patatin like domain 6, lysophospholipase; plus strand). Cytogenetic location: 19p13.2.
Variant type: single nucleotide variant.
Coding change: c.1049C>T on transcript NM_001166114.2 (MANE Select); coding-DNA position 1049, C replaced by T.
Protein change: p.Thr350Ile; replaces threonine 350 with isoleucine.
Molecular consequence: missense variant.
Genome position (GRCh38, 1-based): chr19:7,541,565, C>T. VCF-style: chr19-7541565-C-T. GRCh37 (hg19) VCF-style: chr19-7606451-C-T.
Other names: c.1076C>T, p.Thr359Ile (NM_001166111.2); c.932C>T, p.Thr311Ile (NM_001166112.2, NM_001166113.1, NM_006702.5); short protein forms T311I, T350I, T359I.
Identifiers: ClinVar variation 1807460 (VCV001807460.4), dbSNP rs370328961, ClinGen allele CA9139662.